The following is an entry in ClinVar:

NM_023936.2(MRPS34):c.322A>G (p.Asn108Asp)

Gene: MRPS34 (mitochondrial ribosomal protein S34; minus strand). Cytogenetic location: 16p13.3.
Variant type: single nucleotide variant.
Coding change: c.322A>G on transcript NM_023936.2 (MANE Select); coding-DNA position 322, A replaced by G.
Protein change: p.Asn108Asp; replaces asparagine 108 with aspartic acid.
Molecular consequence: missense variant.
Genome position (GRCh38, 1-based): chr16:1,772,646, T>C on the plus strand (A>G on the coding strand, the complement: MRPS34 is on the minus strand). VCF-style: chr16-1772646-T-C. GRCh37 (hg19) VCF-style: chr16-1822647-T-C.
Other names: c.322A>G, p.Asn108Asp (NM_001300900.2); short protein forms N108D.
Identifiers: ClinVar variation 1975132 (VCV001975132.5), dbSNP rs990255964, ClinGen allele CA276723915.

ClinVar aggregate classification (germline): Uncertain significance (1 of 4 stars; one submission).

Allele frequency attached by ClinVar (database versions not stated): gnomAD exomes below 0.00001; TOPMed 0.00001.

Submission:

Labcorp Genetics (formerly Invitae), Labcorp
Classification: Uncertain significance. Last evaluated: 2024-10-16. Review status: criteria provided, single submitter. Criteria: Invitae Variant Classification Sherloc (09022015). Collection method: clinical testing. Allele origin: germline.
Comment: This sequence change replaces asparagine, which is neutral and polar, with aspartic acid, which is acidic and polar, at codon 108 of the MRPS34 protein (p.Asn108Asp). This variant is not present in population databases (gnomAD no frequency). This variant has not been reported in the literature in individuals affected with MRPS34-related conditions. ClinVar contains an entry for this variant (Variation ID: 1975132). An algorithm developed to predict the effect of missense changes on protein structure and function (PolyPhen-2) suggests that this variant is likely to be tolerated. In summary, the available evidence is currently insufficient to determine the role of this variant in disease. Therefore, it has been classified as a Variant of Uncertain Significance.